The following is an entry in ClinVar:

ClinVar aggregate classification (germline): Likely pathogenic (1 of 4 stars; one submission).

Submission:

Mayo Clinic Laboratories, Mayo Clinic
Classification: Likely pathogenic. Last evaluated: 2023-03-30. Review status: criteria provided, single submitter. Criteria: ACMG Guidelines, 2015. Collection method: clinical testing. Allele origin: germline. Observed: 1 variant allele.
Comment: PP2, PP3, PM1, PM2_supporting, PS4_moderate

Literature cited by the submitters: PubMed 11317364.

NM_000088.4(COL1A1):c.1219G>A (p.Gly407Ser)

Gene: COL1A1 (collagen type I alpha 1 chain; minus strand). Cytogenetic location: 17q21.33.
Variant type: single nucleotide variant.
Coding change: c.1219G>A on transcript NM_000088.4 (MANE Select); coding-DNA position 1219, G replaced by A.
Protein change: p.Gly407Ser; replaces glycine 407 with serine.
Molecular consequence: missense variant.
Genome position (GRCh38, 1-based): chr17:50,195,312, C>T on the plus strand (G>A on the coding strand, the complement: COL1A1 is on the minus strand). VCF-style: chr17-50195312-C-T. GRCh37 (hg19) VCF-style: chr17-48272673-C-T.
Other names: p.Gly407Ser; short protein forms G407S.
Identifiers: ClinVar variation 2683679 (VCV002683679.1), dbSNP rs66761141, ClinGen allele CA291546666.